The following is an entry in ClinVar:

ClinVar aggregate classification (germline): Conflicting classifications of pathogenicity. Review status: criteria provided, conflicting classifications (1 of 4 stars). 5 submissions from 5 submitters: Uncertain significance (2); Benign (1); Likely benign (2). Last evaluated 2026-07-29.

Conditions:
Pheochromocytoma. Also called: MAX-Related Hereditary Paraganglioma-Pheochromocytoma Syndrome. Identifiers: Orphanet 29072, MedGen C0031511, MONDO:0008233, OMIM 171300, HP:0002666.
Hereditary cancer-predisposing syndrome. Also called: Hereditary Cancer Syndrome; Neoplastic Syndromes, Hereditary; Hereditary neoplastic syndrome; Tumor predisposition. Identifiers: Orphanet 140162, MedGen C0027672, MeSH D009386, MONDO:0015356.
Hereditary pheochromocytoma and paraganglioma. Also called: Hereditary pheochromocytoma-paraganglioma; Hereditary Paraganglioma-Pheochromocytoma Syndromes; Hereditary paragangliomas and pheochromocytomas. Identifiers: Orphanet 29072, MedGen C4274332, MONDO:0017366.

Submissions (5):

Myriad Genetics, Inc.
Classification: Benign for Hereditary pheochromocytoma and paraganglioma. Last evaluated: 2026-07-29. Review status: criteria provided, single submitter. Criteria: Myriad Autosomal Dominant, Autosomal Recessive and X-Linked Classification Criteria (2023). Collection method: clinical testing. Allele origin: unknown.
Comment: This variant is considered benign. This variant is a silent/synonymous amino acid change and it is not expected to impact splicing.

Labcorp Genetics (formerly Invitae), Labcorp
Classification: Likely benign for Hereditary pheochromocytoma and paraganglioma. Last evaluated: 2023-07-26. Review status: criteria provided, single submitter. Criteria: Invitae Variant Classification Sherloc (09022015). Collection method: clinical testing. Allele origin: germline.

Ambry Genetics
Classification: Likely benign for Hereditary cancer-predisposing syndrome. Last evaluated: 2022-06-05. Review status: criteria provided, single submitter. Criteria: Ambry Variant Classification Scheme 2023. Collection method: clinical testing. Allele origin: germline.

Genetic Services Laboratory, University of Chicago
Classification: Uncertain significance. Last evaluated: 2021-07-28. Review status: criteria provided, single submitter. Criteria: ACMG Guidelines, 2015. Collection method: clinical testing. Allele origin: germline. Affected: no.

Illumina Laboratory Services, Illumina
Classification: Uncertain significance for Pheochromocytoma. Last evaluated: 2018-01-13. Review status: criteria provided, single submitter. Criteria: ICSL Variant Classification Criteria 13 December 2019. Collection method: clinical testing. Allele origin: germline.

NM_017849.4(TMEM127):c.144C>T (p.Leu48=)

Gene: TMEM127 (transmembrane protein 127; minus strand). Cytogenetic location: 2q11.2.
Variant type: single nucleotide variant.
Coding change: c.144C>T on transcript NM_017849.4 (MANE Select); coding-DNA position 144, C replaced by T.
Protein change: p.Leu48=; no amino-acid change (leucine 48 retained).
Molecular consequence: synonymous variant.
Genome position (GRCh38, 1-based): chr2:96,265,238, G>A on the plus strand (C>T on the coding strand, the complement: TMEM127 is on the minus strand). VCF-style: chr2-96265238-G-A. GRCh37 (hg19) VCF-style: chr2-96930976-G-A.
Other names: c.144C>T, p.Leu48= (NM_001193304.3).
Identifiers: ClinVar variation 895941 (VCV000895941.18), dbSNP rs1684391372, ClinGen allele CA427496337.